The following is an entry in ClinVar:

ClinVar aggregate classification (germline): Conflicting classifications of pathogenicity. Review status: criteria provided, conflicting classifications (1 of 4 stars). 7 submissions from 7 submitters: Pathogenic (1); Likely pathogenic (2); Uncertain significance (2). 2 of the submissions do not count toward it. Last evaluated 2025-11-18.

Conditions:
PEX6-related disorder. Also called: PEX6-related disorders; PEX6-related condition.
Paroxysmal dystonia. Identifiers: Orphanet 200037, MedGen C0393588, MONDO:0016058, HP:0002268.
Cerebellar ataxia. Identifiers: Orphanet 102002, MedGen C0007758, MONDO:0000437.
Cognitive impairment. Also called: cognitive deficit. Identifiers: MedGen C0338656, HP:0100543.
Sensorineural hearing loss disorder. Also called: Sensorineural hearing impairment; Sensorineural hearing loss; Sensorineural Deafness. Identifiers: MedGen C0018784, MeSH D006319, MONDO:0020678, HP:0000407.
Peripheral neuropathy. Also called: Neuropathy. Identifiers: MedGen C0031117, MONDO:0005244, HP:0009830.
Premature menopause. Identifiers: MedGen C0025322, MONDO:0001119.
Heimler syndrome 2 (HMLR2). Also called: PEROXISOME BIOGENESIS DISORDER 4C. Identifiers: Orphanet 3220, MedGen C4225267, OMIM 616617, MONDO:0014709.
Peroxisome biogenesis disorder 4A (Zellweger) (PBD4A). Also called: Zellweger syndrome spectrum (PEX6-related). Identifiers: Orphanet 912, MedGen C3553936, MONDO:0013930, OMIM 614862. Disease mechanism: loss of function.
Peroxisome biogenesis disorder 4B (PBD4B). Also called: SPINOCEREBELLAR ATAXIA WITH BLINDNESS AND DEAFNESS 1. Identifiers: Orphanet 44, Orphanet 95433, MedGen C3553937, MONDO:0013931, OMIM 614863.
Peroxisome biogenesis disorder. Identifiers: Orphanet 79189, MedGen C1832200, MONDO:0019234. Disease mechanism: loss of function.

Allele frequency attached by ClinVar (database versions not stated): gnomAD 0.00001; gnomAD exomes below 0.00001 and 0.00001.
gnomAD v4.1: 14 of 1,613,890 alleles (0.00087%); highest among the groups gnomAD compares: Non-Finnish European, 0.0012%; no homozygotes.

Submissions (7):

3billion
Classification: Likely pathogenic for PEX6-related disorder. Last evaluated: 2025-11-18. Review status: criteria provided, single submitter. Criteria: ACMG Guidelines, 2015. Collection method: clinical testing. Allele origin: germline. Affected: yes.
Comment: The variant is observed at an extremely low frequency in the gnomAD v4.1.0 dataset (total allele frequency: <0.001%). Predicted Consequence/Location: Missense variant. The majority of the known disease-causing variants of this gene are variants expected to result in premature termination of the protein. In silico tool predictions suggest damaging effect of the variant on gene or gene product [REVEL: 0.93 (>=0.6, sensitivity 0.68 and specificity 0.92); 3Cnet: 0.99 (> 0.75, sensitivity 0.96 and precision 0.92)]. The same nucleotide change resulting in the same amino acid change has been previously reported as pathogenic/likely pathogenic with strong evidence (ClinVar ID: VCV000553552 /PMID: 19877282). Therefore, this variant is classified as Likely pathogenic according to the recommendation of ACMG/AMP guideline.

Labcorp Genetics (formerly Invitae), Labcorp
Classification: Uncertain significance for Peroxisome biogenesis disorder. Last evaluated: 2025-01-29. Review status: criteria provided, single submitter. Criteria: Invitae Variant Classification Sherloc (09022015). Collection method: clinical testing. Allele origin: germline.
Comment: This sequence change replaces arginine, which is basic and polar, with tryptophan, which is neutral and slightly polar, at codon 786 of the PEX6 protein (p.Arg786Trp). The frequency data for this variant in the population databases is considered unreliable, as metrics indicate poor data quality at this position in the gnomAD database. This missense change has been observed in individual(s) with Zellweger Syndrome Spectrum (PMID: 25079577, 32399598). ClinVar contains an entry for this variant (Variation ID: 553552). Invitae Evidence Modeling of protein sequence and biophysical properties (such as structural, functional, and spatial information, amino acid conservation, physicochemical variation, residue mobility, and thermodynamic stability) indicates that this missense variant is expected to disrupt PEX6 protein function with a positive predictive value of 95%. Algorithms developed to predict the effect of sequence changes on RNA splicing suggest that this variant may disrupt the consensus splice site. In summary, the available evidence is currently insufficient to determine the role of this variant in disease. Therefore, it has been classified as a Variant of Uncertain Significance.

Baylor Genetics
Classification: Likely pathogenic for Heimler syndrome 2. Last evaluated: 2023-10-08. Review status: criteria provided, single submitter. Criteria: ACMG Guidelines, 2015. Collection method: clinical testing. Allele origin: unknown.

CeGaT Center for Human Genetics Tuebingen
Classification: Pathogenic. Last evaluated: 2021-03-01. Review status: criteria provided, single submitter. Criteria: CeGaT Center For Human Genetics Tuebingen Variant Classification Criteria Version 2. Collection method: clinical testing. Allele origin: germline. Affected: yes. Observed: 1 variant allele.

Johns Hopkins Genomics, Johns Hopkins University
Classification: Uncertain significance for Peroxisome biogenesis disorder 4A (Zellweger). Last evaluated: 2019-09-26. Review status: criteria provided, single submitter. Criteria: ACMG Guidelines, 2015. Collection method: clinical testing. Allele origin: germline.

Reproductive Development, Murdoch Childrens Research Institute
Classification: Pathogenic for Premature ovarian insufficiency; Sensorineural hearing loss disorder; Ataxia; Peripheral neuropathy; Paroxysmal dystonia; Cognitive impairment. Last evaluated: 2019-10-21. Review status: no assertion criteria provided. Criteria: ACMG Guidelines, 2015. Collection method: research. Allele origin: de novo. Affected: yes. Not counted in ClinVar's aggregate classification.

Counsyl
Classification: Uncertain significance for Peroxisome biogenesis disorder 4A (Zellweger); Peroxisome biogenesis disorder 4B. Last evaluated: 2017-08-29. Review status: no assertion criteria provided. Collection method: clinical testing. Allele origin: unknown. Not counted in ClinVar's aggregate classification.

Literature cited by the submitters: PubMed 19877282 (cited by 3billion and Counsyl); PubMed 25079577 (cited by Labcorp Genetics (formerly Invitae), Labcorp and Counsyl); PubMed 32399598 (cited by Labcorp Genetics (formerly Invitae), Labcorp).

NM_000287.4(PEX6):c.2356C>T (p.Arg786Trp)

Gene: PEX6 (peroxisomal biogenesis factor 6; minus strand). Cytogenetic location: 6p21.1.
Variant type: single nucleotide variant.
Coding change: c.2356C>T on transcript NM_000287.4 (MANE Select); coding-DNA position 2356, C replaced by T.
Protein change: p.Arg786Trp; replaces arginine 786 with tryptophan.
Molecular consequence: missense variant.
Genome position (GRCh38, 1-based): chr6:42,966,050, G>A on the plus strand (C>T on the coding strand, the complement: PEX6 is on the minus strand). VCF-style: chr6-42966050-G-A. GRCh37 (hg19) VCF-style: chr6-42933788-G-A.
Other names: c.2092C>T, p.Arg698Trp (NM_001316313.2); short protein forms R786W, R698W.
Identifiers: ClinVar variation 553552 (VCV000553552.44), dbSNP rs267608239, ClinGen allele CA138222771.